The following is an entry in ClinVar:

ClinVar aggregate classification (germline): Uncertain significance (1 of 4 stars; one submission).

Conditions:
Epidermolysis bullosa simplex 5B, with muscular dystrophy (EBS5B). Also called: Epidermolysis bullosa simplex with muscular dystrophy; EPIDERMOLYSIS BULLOSA SIMPLEX AND LIMB-GIRDLE MUSCULAR DYSTROPHY. Identifiers: Orphanet 257, MedGen C2931072, MONDO:0009181, OMIM 226670.
Epidermolysis bullosa simplex, Ogna type (EBS5A). Also called: EPIDERMOLYSIS BULLOSA SIMPLEX 5A, OGNA TYPE; Pidermolysis bullosa simplex 5A, Ogna type. Identifiers: Orphanet 79401, MedGen C0432317, MONDO:0007555, OMIM 131950.
Epidermolysis bullosa simplex 5C, with pyloric atresia (EBS5C). Also called: PLEC-Related Epidermolysis Bullosa with Pyloric Atresia; Epidermolysis bullosa simplex with pyloric atresia; PLEC1-Related Epidermolysis Bullosa with Pyloric Atresia. Identifiers: Orphanet 158684, MedGen C2677349, MONDO:0012807, OMIM 612138.
Epidermolysis bullosa simplex with nail dystrophy (EBS5D). Identifiers: MedGen C4225309, MONDO:0014661, OMIM 616487.
Autosomal recessive limb-girdle muscular dystrophy type 2Q (LGMDR17). Also called: MUSCULAR DYSTROPHY, LIMB-GIRDLE, AUTOSOMAL RECESSIVE 17. Identifiers: Orphanet 254361, MedGen C3150989, MONDO:0013390, OMIM 613723.

Allele frequency attached by ClinVar (database versions not stated): gnomAD exomes below 0.00001; TOPMed 0.00001.
gnomAD v4.1: 1 of 1,587,702 alleles (0.000063%); highest among the groups gnomAD compares: Admixed American, 0.0017%; no homozygotes.

Submission:

Labcorp Genetics (formerly Invitae), Labcorp
Classification: Uncertain significance for Autosomal recessive limb-girdle muscular dystrophy type 2Q; Epidermolysis bullosa simplex, Ogna type; Epidermolysis bullosa simplex with nail dystrophy; Epidermolysis bullosa simplex 5C, with pyloric atresia; Epidermolysis bullosa simplex 5B, with muscular dystrophy. Last evaluated: 2022-06-12. Review status: criteria provided, single submitter. Criteria: Invitae Variant Classification Sherloc (09022015). Collection method: clinical testing. Allele origin: germline.
Comment: In summary, the available evidence is currently insufficient to determine the role of this variant in disease. Therefore, it has been classified as a Variant of Uncertain Significance. Algorithms developed to predict the effect of missense changes on protein structure and function are either unavailable or do not agree on the potential impact of this missense change (SIFT: "Deleterious"; PolyPhen-2: "Probably Damaging"; Align-GVGD: "Class C0"). This variant has not been reported in the literature in individuals affected with PLEC-related conditions. This variant is not present in population databases (gnomAD no frequency). This sequence change replaces aspartic acid, which is acidic and polar, with asparagine, which is neutral and polar, at codon 3859 of the PLEC protein (p.Asp3859Asn).

NM_201384.3(PLEC):c.11494G>A (p.Asp3832Asn)

Gene: PLEC (plectin; minus strand). Cytogenetic location: 8q24.3.
Variant type: single nucleotide variant.
Coding change: c.11494G>A on transcript NM_201384.3 (MANE Select); coding-DNA position 11494, G replaced by A.
Protein change: p.Asp3832Asn; replaces aspartic acid 3832 with asparagine.
Molecular consequence: missense variant.
Genome position (GRCh38, 1-based): chr8:143,918,327, C>T on the plus strand (G>A on the coding strand, the complement: PLEC is on the minus strand). VCF-style: chr8-143918327-C-T. GRCh37 (hg19) VCF-style: chr8-144992495-C-T.
Other names: c.11575G>A, p.Asp3859Asn (NM_000445.5); c.8194G>A, p.Asp2732Asn (NM_001410941.1); c.11452G>A, p.Asp3818Asn (NM_201378.4); c.11428G>A, p.Asp3810Asn (NM_201379.3); c.11905G>A, p.Asp3969Asn (NM_201380.4); c.11398G>A, p.Asp3800Asn (NM_201381.3); c.11494G>A, p.Asp3832Asn (NM_201382.4); c.11506G>A, p.Asp3836Asn (NM_201383.3); short protein forms D3818N, D3969N, D3800N, D3832N, D3836N, D2732N, D3859N, D3810N.
Identifiers: ClinVar variation 1928686 (VCV001928686.5), dbSNP rs1798784983, ClinGen allele CA372490356.